The following is an entry in ClinVar:

NM_000179.3(MSH6):c.2767A>C (p.Lys923Gln)

Gene: MSH6 (mutS homolog 6; plus strand). Cytogenetic location: 2p16.3.
Variant type: single nucleotide variant.
Coding change: c.2767A>C on transcript NM_000179.3 (MANE Select); coding-DNA position 2767, A replaced by C.
Protein change: p.Lys923Gln; replaces lysine 923 with glutamine.
Molecular consequence: missense variant.
Genome position (GRCh38, 1-based): chr2:47,800,750, A>C. VCF-style: chr2-47800750-A-C. GRCh37 (hg19) VCF-style: chr2-48027889-A-C.
Other names: c.2377A>C, p.Lys793Gln (NM_001281492.2); c.1861A>C, p.Lys621Gln (NM_001281493.2, NM_001281494.2, NM_001406811.1 and 6 more transcripts); c.2863A>C, p.Lys955Gln (NM_001406795.1, NM_001406802.1); c.2767A>C, p.Lys923Gln (NM_001406796.1, NM_001406798.1, NM_001406800.1 and 2 more transcripts); c.2470A>C, p.Lys824Gln (NM_001406797.1, NM_001406801.1, NM_001406805.1 and 10 more transcripts); c.2242A>C, p.Lys748Gln (NM_001406799.1, NM_001406806.1, NM_001406807.1); c.2689A>C, p.Lys897Gln (NM_001406804.1); c.2773A>C, p.Lys925Gln (NM_001406813.1); and 2 more; short protein forms K238Q, K897Q, K824Q, K955Q, K748Q, K793Q, K867Q, K925Q.
Identifiers: ClinVar variation 1795748 (VCV001795748.2), dbSNP rs1558666660, ClinGen allele CA346755450.

ClinVar aggregate classification (germline): Uncertain significance (1 of 4 stars; one submission).

Conditions:
Hereditary cancer-predisposing syndrome. Also called: Tumor predisposition; Hereditary Cancer Syndrome; Neoplastic Syndromes, Hereditary; Hereditary neoplastic syndrome. Identifiers: Orphanet 140162, MedGen C0027672, MeSH D009386, MONDO:0015356.

Submission:

Ambry Genetics
Classification: Uncertain significance for Hereditary cancer-predisposing syndrome. Last evaluated: 2019-08-30. Review status: criteria provided, single submitter. Criteria: Ambry Variant Classification Scheme 2023. Collection method: clinical testing. Allele origin: germline.
Comment: The p.K923Q variant (also known as c.2767A>C), located in coding exon 4 of the MSH6 gene, results from an A to C substitution at nucleotide position 2767. The lysine at codon 923 is replaced by glutamine, an amino acid with similar properties. This amino acid position is poorly conserved in available vertebrate species. In addition, the in silico prediction for this alteration is inconclusive. Since supporting evidence is limited at this time, the clinical significance of this alteration remains unclear.